The following is an entry in ClinVar:

NM_000295.5(SERPINA1):c.613_614dup (p.Ala207fs)

Gene: SERPINA1 (serpin family A member 1; minus strand). Cytogenetic location: 14q32.13.
Variant type: Duplication.
Coding change: c.613_614dup on transcript NM_000295.5 (MANE Select); coding-DNA positions 613 to 614, 2 bases duplicated (GT; older notation c.613_614dupGT).
Protein change: p.Ala207fs; shifts the reading frame from alanine 207.
Molecular consequence: frameshift variant.
Genome position (GRCh38, 1-based): chr14:94,382,624-94,382,625, AC duplicated on the plus strand (GT on the coding strand, the reverse complement: SERPINA1 is on the minus strand). VCF-style (leftmost placement, unchanged base first): chr14-94382623-A-AAC. GRCh37 (hg19) VCF-style: chr14-94848960-A-AAC.
Other names: c.613_614dup, p.Ala207fs (NM_001002235.3, NM_001002236.3, NM_001127700.2 and 7 more transcripts); short protein forms A207fs.
Identifiers: ClinVar variation 4085391 (VCV004085391.8).

ClinVar aggregate classification (germline): Pathogenic (1 of 4 stars; one submission).

Submission:

CeGaT Center for Human Genetics Tuebingen
Classification: Pathogenic. Last evaluated: 2025-07-01. Review status: criteria provided, single submitter. Criteria: CeGaT Center For Human Genetics Tuebingen Variant Classification Criteria Version 2. Collection method: clinical testing. Allele origin: germline. Affected: yes. Observed: 1 variant allele.
Comment: SERPINA1: PVS1, PM2